The following is an entry in ClinVar:

NM_001287.6(CLCN7):c.485-3C>T

Gene: CLCN7 (chloride voltage-gated channel 7; minus strand). Cytogenetic location: 16p13.3.
Variant type: single nucleotide variant.
Coding change: c.485-3C>T on transcript NM_001287.6 (MANE Select); 3 bases into the intron before coding-DNA position 485, C replaced by T.
Molecular consequence: intron variant.
Genome position (GRCh38, 1-based): chr16:1,460,530, G>A on the plus strand (C>T on the coding strand, the complement: CLCN7 is on the minus strand). VCF-style: chr16-1460530-G-A. GRCh37 (hg19) VCF-style: chr16-1510531-G-A.
Other names: c.413-3C>T (NM_001114331.3).
Identifiers: ClinVar variation 3650159 (VCV003650159.2).

ClinVar aggregate classification (germline): Uncertain significance (1 of 4 stars; one submission).

Submission:

Labcorp Genetics (formerly Invitae), Labcorp
Classification: Uncertain significance. Last evaluated: 2024-04-16. Review status: criteria provided, single submitter. Criteria: Invitae Variant Classification Sherloc (09022015). Collection method: clinical testing. Allele origin: germline.
Comment: This sequence change falls in intron 5 of the CLCN7 gene. It does not directly change the encoded amino acid sequence of the CLCN7 protein. It affects a nucleotide within the consensus splice site. This variant is not present in population databases (gnomAD no frequency). This variant has not been reported in the literature in individuals affected with CLCN7-related conditions. Variants that disrupt the consensus splice site are a relatively common cause of aberrant splicing (PMID: 17576681, 9536098). Algorithms developed to predict the effect of sequence changes on RNA splicing suggest that this variant is not likely to affect RNA splicing. In summary, the available evidence is currently insufficient to determine the role of this variant in disease. Therefore, it has been classified as a Variant of Uncertain Significance.

Literature cited by the submitters: PubMed 17576681; PubMed 9536098.